The following is an entry in ClinVar:

ClinVar aggregate classification (germline): Conflicting classifications of pathogenicity. Review status: criteria provided, conflicting classifications (1 of 4 stars). 4 submissions from 4 submitters: Uncertain significance (3); Likely benign (1). Last evaluated 2024-12-13.

Conditions:
Intellectual disability, X-linked, with or without seizures, ARX-related. Also called: INTELLECTUAL DEVELOPMENTAL DISORDER, X-LINKED 29; MENTAL RETARDATION, X-LINKED 29; MENTAL RETARDATION, X-LINKED 32; MENTAL RETARDATION, X-LINKED 33; MENTAL RETARDATION, X-LINKED 38; MENTAL RETARDATION, X-LINKED 43. Identifiers: Orphanet 777, MedGen C0796244, MONDO:0010317, OMIM 300419.
Developmental and epileptic encephalopathy, 1 (DEE1). Also called: X-linked infantile spasms; West's syndrome; Tonic spasms with clustering, arrest of psychomotor development and hypsarrhythmia on EEG; X-Linked Infantile Spasm Syndrome; INFANTILE SPASM SYNDROME, X-LINKED 1; OHTAHARA SYNDROME, X-LINKED. Identifiers: MedGen C3463992, MONDO:0010632, OMIM 308350. Disease mechanism: loss of function.
Inborn genetic diseases. Identifiers: MedGen C0950123, MeSH D030342.

Allele frequency attached by ClinVar (database versions not stated): gnomAD exomes 0.00002 and 0.00008; TOPMed 0.00002; gnomAD 0.00004; ExAC 0.00012.
gnomAD v4.1: 81 of 1,135,918 alleles (0.0071%); highest among the groups gnomAD compares: Middle Eastern, 0.029%; no homozygotes.

Submissions (4):

Labcorp Genetics (formerly Invitae), Labcorp
Classification: Uncertain significance for Developmental and epileptic encephalopathy, 1; Intellectual disability, X-linked, with or without seizures, ARX-related. Last evaluated: 2024-12-13. Review status: criteria provided, single submitter. Criteria: Invitae Variant Classification Sherloc (09022015). Collection method: clinical testing. Allele origin: germline.
Comment: This sequence change replaces methionine, which is neutral and non-polar, with valine, which is neutral and non-polar, at codon 488 of the ARX protein (p.Met488Val). The frequency data for this variant in the population databases is considered unreliable, as metrics indicate poor data quality at this position in the gnomAD database. This variant has not been reported in the literature in individuals affected with ARX-related conditions. ClinVar contains an entry for this variant (Variation ID: 434395). Invitae Evidence Modeling of protein sequence and biophysical properties (such as structural, functional, and spatial information, amino acid conservation, physicochemical variation, residue mobility, and thermodynamic stability) indicates that this missense variant is not expected to disrupt ARX protein function with a negative predictive value of 80%. In summary, the available evidence is currently insufficient to determine the role of this variant in disease. Therefore, it has been classified as a Variant of Uncertain Significance.

Ambry Genetics
Classification: Uncertain significance for Inborn genetic diseases. Last evaluated: 2021-09-15. Review status: criteria provided, single submitter. Criteria: Ambry Variant Classification Scheme 2023. Collection method: clinical testing. Allele origin: germline.

GeneDx
Classification: Likely benign. Last evaluated: 2021-05-26. Review status: criteria provided, single submitter. Criteria: GeneDx Variant Classification Process June 2021. Collection method: clinical testing. Allele origin: germline. Affected: yes.
Comment: In-silico analysis, which includes splice predictors and evolutionary conservation, is inconclusive as to whether the variant alters gene splicing. In the absence of RNA/functional studies, the actual effect of this sequence change is unknown; Has not been previously published as pathogenic or benign to our knowledge; In silico analysis supports that this missense variant does not alter protein structure/function

Genetic Services Laboratory, University of Chicago
Classification: Uncertain significance. Last evaluated: 2016-02-17. Review status: criteria provided, single submitter. Criteria: ACMG Guidelines, 2015. Collection method: clinical testing. Allele origin: germline. Affected: no.

NM_139058.3(ARX):c.1462A>G (p.Met488Val)

Gene: ARX (aristaless related homeobox; minus strand). Cytogenetic location: Xp21.3.
Variant type: single nucleotide variant.
Coding change: c.1462A>G on transcript NM_139058.3 (MANE Select); coding-DNA position 1462, A replaced by G.
Protein change: p.Met488Val; replaces methionine 488 with valine.
Molecular consequence: missense variant.
Genome position (GRCh38, 1-based): chrX:25,004,897, T>C on the plus strand (A>G on the coding strand, the complement: ARX is on the minus strand). VCF-style: chrX-25004897-T-C. GRCh37 (hg19) VCF-style: chrX-25023014-T-C.
Other names: short protein forms M488V.
Identifiers: ClinVar variation 434395 (VCV000434395.15), dbSNP rs767404024, ClinGen allele CA10373780.